The following is an entry in ClinVar:

ClinVar aggregate classification (germline): Uncertain significance (1 of 4 stars; one submission).

Conditions:
Autosomal dominant nonsyndromic hearing loss 1. Also called: KONIGSMARK SYNDROME; DEAFNESS, AUTOSOMAL DOMINANT 1, WITH OR WITHOUT THROMBOCYTOPENIA. Identifiers: Orphanet 90635, MedGen C1852282, MONDO:0007424, OMIM 124900.
Progressive microcephaly-seizures-cortical blindness-developmental delay syndrome. Also called: Seizures, cortical blindness, and microcephaly syndrome. Identifiers: Orphanet 477814, MedGen C5567650, MONDO:0014714, OMIM 616632.

Submission:

Labcorp Genetics (formerly Invitae), Labcorp
Classification: Uncertain significance for Progressive microcephaly-seizures-cortical blindness-developmental delay syndrome; Autosomal dominant nonsyndromic hearing loss 1. Last evaluated: 2022-11-15. Review status: criteria provided, single submitter. Criteria: Invitae Variant Classification Sherloc (09022015). Collection method: clinical testing. Allele origin: germline.
Comment: This variant has not been reported in the literature in individuals affected with DIAPH1-related conditions. In summary, the available evidence is currently insufficient to determine the role of this variant in disease. Therefore, it has been classified as a Variant of Uncertain Significance. Variants that disrupt the consensus splice site are a relatively common cause of aberrant splicing (PMID: 17576681, 9536098). Algorithms developed to predict the effect of sequence changes on RNA splicing suggest that this variant may disrupt the consensus splice site. ClinVar contains an entry for this variant (Variation ID: 998604). This variant is not present in population databases (gnomAD no frequency). This sequence change affects codon 547 of the DIAPH1 mRNA. It is a 'silent' change, meaning that it does not change the encoded amino acid sequence of the DIAPH1 protein. This variant also falls at the last nucleotide of exon 15, which is part of the consensus splice site for this exon.

Literature cited by the submitters: PubMed 17576681; PubMed 9536098.

NM_005219.5(DIAPH1):c.1641G>A (p.Glu547=)

Gene: DIAPH1 (diaphanous related formin 1; minus strand). Cytogenetic location: 5q31.3.
Variant type: single nucleotide variant.
Coding change: c.1641G>A on transcript NM_005219.5 (MANE Select); coding-DNA position 1641, G replaced by A.
Protein change: p.Glu547=; no amino-acid change (glutamic acid 547 retained).
Molecular consequence: synonymous variant.
Genome position (GRCh38, 1-based): chr5:141,574,967, C>T on the plus strand (G>A on the coding strand, the complement: DIAPH1 is on the minus strand). VCF-style: chr5-141574967-C-T. GRCh37 (hg19) VCF-style: chr5-140954534-C-T.
Other names: c.1614G>A, p.Glu538= (NM_001079812.3); c.1641G>A, p.Glu547= (NM_001314007.2).
Identifiers: ClinVar variation 998604 (VCV000998604.7), dbSNP rs2099895745, ClinGen allele CA446892457.
Genomic context (GRCh38, chr5:141,574,967, plus strand): 5'-TTCCAAGCCATGTGCATCCTGAGGTTACAGGTCATTCTGCCTTCCCTGCTCAGGCATTAC[C>T]TCTCCTGTGAGCTGGGACACCTCTGCTTCCAGGTCCTGTTTCTCTGTGGCAATTTGCTGC-3'
Protein context (NP_005210.3, residues 537-557): LEAEVSQLTG[Glu547=]VAKLTKELED